The following is an entry in ClinVar:

NM_144701.3(IL23R):c.166A>T (p.Ile56Phe)

Gene: IL23R (interleukin 23 receptor; plus strand). Cytogenetic location: 1p31.3.
Variant type: single nucleotide variant.
Coding change: c.166A>T on transcript NM_144701.3 (MANE Select); coding-DNA position 166, A replaced by T.
Protein change: p.Ile56Phe; replaces isoleucine 56 with phenylalanine.
Molecular consequence: missense variant.
Genome position (GRCh38, 1-based): chr1:67,169,437, A>T. VCF-style: chr1-67169437-A-T. GRCh37 (hg19) VCF-style: chr1-67635120-A-T.
Other names: short protein forms I56F.
Identifiers: ClinVar variation 2886166 (VCV002886166.3), dbSNP rs767092630, ClinGen allele CA899656.

ClinVar aggregate classification (germline): Uncertain significance (1 of 4 stars; one submission).

Allele frequency attached by ClinVar (database versions not stated): TOPMed below 0.00001; ExAC 0.00001.
gnomAD v4.1: 6 of 1,613,698 alleles (0.00037%); highest among the groups gnomAD compares: Non-Finnish European, 0.00051%; no homozygotes.

Submission:

Labcorp Genetics (formerly Invitae), Labcorp
Classification: Uncertain significance. Last evaluated: 2025-05-05. Review status: criteria provided, single submitter. Criteria: Invitae Variant Classification Sherloc (09022015). Collection method: clinical testing. Allele origin: germline.
Comment: This sequence change replaces isoleucine, which is neutral and non-polar, with phenylalanine, which is neutral and non-polar, at codon 56 of the IL23R protein (p.Ile56Phe). This variant is present in population databases (rs767092630, gnomAD 0.002%). This variant has not been reported in the literature in individuals affected with IL23R-related conditions. ClinVar contains an entry for this variant (Variation ID: 2886166). An algorithm developed to predict the effect of missense changes on protein structure and function (PolyPhen-2) suggests that this variant is likely to be disruptive. In summary, the available evidence is currently insufficient to determine the role of this variant in disease. Therefore, it has been classified as a Variant of Uncertain Significance.